The following is an entry in ClinVar:

NM_139076.3(ABRAXAS1):c.601A>G (p.Lys201Glu)

Gene: ABRAXAS1 (abraxas 1, BRCA1 A complex subunit; minus strand). Cytogenetic location: 4q21.23.
Variant type: single nucleotide variant.
Coding change: c.601A>G on transcript NM_139076.3 (MANE Select); coding-DNA position 601, A replaced by G.
Protein change: p.Lys201Glu; replaces lysine 201 with glutamic acid.
Molecular consequence: missense variant.
Genome position (GRCh38, 1-based): chr4:83,467,534, T>C on the plus strand (A>G on the coding strand, the complement: ABRAXAS1 is on the minus strand). VCF-style: chr4-83467534-T-C. GRCh37 (hg19) VCF-style: chr4-84388687-T-C.
Other names: c.274A>G, p.Lys92Glu (NM_001345962.2); short protein forms K201E, K92E.
Identifiers: ClinVar variation 2166745 (VCV002166745.5), dbSNP rs901660662, ClinGen allele CA357259022.

ClinVar aggregate classification (germline): Conflicting classifications of pathogenicity. Review status: criteria provided, conflicting classifications (1 of 4 stars). 2 submissions from 2 submitters: Uncertain significance (1); Likely benign (1). Last evaluated 2023-07-09.

Submissions (2):

Ambry Genetics
Classification: Likely benign. Last evaluated: 2023-07-09. Review status: criteria provided, single submitter. Criteria: Ambry Variant Classification Scheme 2023. Collection method: clinical testing. Allele origin: germline.

Labcorp Genetics (formerly Invitae), Labcorp
Classification: Uncertain significance. Last evaluated: 2023-04-17. Review status: criteria provided, single submitter. Criteria: Invitae Variant Classification Sherloc (09022015). Collection method: clinical testing. Allele origin: germline.
Comment: This sequence change replaces lysine, which is basic and polar, with glutamic acid, which is acidic and polar, at codon 201 of the ABRAXAS1 protein (p.Lys201Glu). This variant is not present in population databases (gnomAD no frequency). This variant has not been reported in the literature in individuals affected with ABRAXAS1-related conditions. ClinVar contains an entry for this variant (Variation ID: 2166745). Advanced modeling of protein sequence and biophysical properties (such as structural, functional, and spatial information, amino acid conservation, physicochemical variation, residue mobility, and thermodynamic stability) performed at Invitae indicates that this missense variant is not expected to disrupt ABRAXAS1 protein function. In summary, the available evidence is currently insufficient to determine the role of this variant in disease. Therefore, it has been classified as a Variant of Uncertain Significance.